The following is an entry in ClinVar:

ClinVar aggregate classification (germline): Uncertain significance (1 of 4 stars; one submission).

Conditions:
Multiple endocrine neoplasia, type 2 (MEN2). Identifiers: Orphanet 653, MedGen C4048306, MONDO:0019003. Disease mechanism: gain of function.

Allele frequency attached by ClinVar (database versions not stated): gnomAD exomes below 0.00001.
gnomAD v4.1: 1 of 1,609,460 alleles (0.000062%); highest among the groups gnomAD compares: Non-Finnish European, 0.000085%; no homozygotes.

Submission:

All of Us Research Program, National Institutes of Health
Classification: Uncertain significance for Multiple endocrine neoplasia, type 2. Last evaluated: 2023-06-28. Review status: criteria provided, single submitter. Criteria: ACMG Guidelines, 2015. Collection method: clinical testing. Allele origin: germline. Inheritance: Autosomal dominant inheritance. Observed: 1 variant allele, 1 heterozygote.
Comment: This study involves interpretation of variants in research participants for the purpose of population health screening. Participant phenotype was not available at the time of variant classification. Additional details can be found in publication PMID: 35346344, PMCID: PMC8962531

NM_020975.6(RET):c.1778G>C (p.Gly593Ala)

Gene: RET (ret proto-oncogene; plus strand). Cytogenetic location: 10q11.21.
Variant type: single nucleotide variant.
Coding change: c.1778G>C on transcript NM_020975.6 (MANE Select); coding-DNA position 1778, G replaced by C.
Protein change: p.Gly593Ala; replaces glycine 593 with alanine.
Molecular consequence: missense variant. On other transcripts: intron variant (2).
Genome position (GRCh38, 1-based): chr10:43,113,574, G>C. VCF-style: chr10-43113574-G-C. GRCh37 (hg19) VCF-style: chr10-43609022-G-C.
Other names: c.1778G>C, p.Gly593Ala (NM_000323.2, NM_001406743.1, NM_001406744.1 and 6 more transcripts); c.1016G>C, p.Gly339Ala (NM_001355216.2); c.1649G>C, p.Gly550Ala (NM_001406761.1, NM_001406762.1, NM_001406764.1 and 1 more transcripts); c.1490G>C, p.Gly497Ala (NM_001406766.1, NM_001406767.1, NM_001406770.1); c.1382G>C, p.Gly461Ala (NM_001406769.1, NM_001406772.1); c.1340G>C, p.Gly447Ala (NM_001406771.1, NM_001406773.1); c.1253G>C, p.Gly418Ala (NM_001406774.1); c.1052G>C, p.Gly351Ala (NM_001406775.1, NM_001406776.1, NM_001406777.1 and 1 more transcripts); and 7 more; short protein forms G110A, G198A, G251A, G263A, G294A, G339A, G351A, G418A.
Identifiers: ClinVar variation 3072099 (VCV003072099.1), dbSNP rs2538480908, ClinGen allele CA376552502.